The following is an entry in ClinVar:

ClinVar aggregate classification (germline): Uncertain significance (1 of 4 stars; one submission).

Conditions:
Developmental and epileptic encephalopathy, 31A. Also called: Epileptic encephalopathy, early infantile, 31; Developmental and epileptic encephalopathy, 31. Identifiers: Orphanet 2382, MedGen C4225357, MONDO:0014598, OMIM 616346.

Allele frequency attached by ClinVar (database versions not stated): TOPMed below 0.00001.
gnomAD v4.1: 4 of 1,578,882 alleles (0.00025%); highest among the groups gnomAD compares: East Asian, 0.0024%; no homozygotes.

Submission:

Labcorp Genetics (formerly Invitae), Labcorp
Classification: Uncertain significance for Developmental and epileptic encephalopathy, 31A. Last evaluated: 2024-08-19. Review status: criteria provided, single submitter. Criteria: Invitae Variant Classification Sherloc (09022015). Collection method: clinical testing. Allele origin: germline.
Comment: This sequence change replaces arginine, which is basic and polar, with histidine, which is basic and polar, at codon 458 of the DNM1 protein (p.Arg458His). The frequency data for this variant in the population databases is considered unreliable, as metrics indicate poor data quality at this position in the gnomAD database. This variant has not been reported in the literature in individuals affected with DNM1-related conditions. Invitae Evidence Modeling of protein sequence and biophysical properties (such as structural, functional, and spatial information, amino acid conservation, physicochemical variation, residue mobility, and thermodynamic stability) has been performed for this missense variant. However, the output from this modeling did not meet the statistical confidence thresholds required to predict the impact of this variant on DNM1 protein function. In summary, the available evidence is currently insufficient to determine the role of this variant in disease. Therefore, it has been classified as a Variant of Uncertain Significance.

NM_004408.4(DNM1):c.1373G>A (p.Arg458His)

Gene: DNM1 (dynamin 1; plus strand). Cytogenetic location: 9q34.11.
Variant type: single nucleotide variant.
Coding change: c.1373G>A on transcript NM_004408.4 (MANE Select); coding-DNA position 1373, G replaced by A.
Protein change: p.Arg458His; replaces arginine 458 with histidine.
Molecular consequence: missense variant.
Genome position (GRCh38, 1-based): chr9:128,234,058, G>A. VCF-style: chr9-128234058-G-A. GRCh37 (hg19) VCF-style: chr9-130996337-G-A.
Other names: c.1373G>A, p.Arg458His (NM_001005336.3, NM_001288737.2, NM_001288738.2 and 2 more transcripts); short protein forms R458H.
Identifiers: ClinVar variation 2741917 (VCV002741917.3), dbSNP rs868047356, ClinGen allele CA200357634.
Genomic context (GRCh38, chr9:128,234,058, plus strand): 5'-TCTGCCCTCCTGCCCTTCCCCAGCTCCAGCAGTACCCGCGGCTACGGGAGGAGATGGAGC[G>A]CATCGTGACCACCCACATCCGGGAGCGCGAGGGCCGCACTAAGGAGCAGGTGAGCCCCGC-3'
Protein context (NP_004399.2, residues 448-468): QYPRLREEME[Arg458His]IVTTHIRERE